The following is an entry in ClinVar:

ClinVar aggregate classification (germline): Likely pathogenic (1 of 4 stars; one submission).

Conditions:
Niemann-Pick disease, type C1. Also called: NIEMANN-PICK DISEASE, VARIANT TYPE C1; NEUROVISCERAL STORAGE DISEASE WITH VERTICAL SUPRANUCLEAR OPHTHALMOPLEGIA; NIEMANN-PICK DISEASE WITH CHOLESTEROL ESTERIFICATION BLOCK; NIEMANN-PICK DISEASE WITHOUT SPHINGOMYELINASE DEFICIENCY; NIEMANN-PICK DISEASE, CHRONIC NEURONOPATHIC FORM. Identifiers: Orphanet 646, MedGen C3179455, MONDO:0009757, OMIM 257220.

Submission:

Labcorp Genetics (formerly Invitae), Labcorp
Classification: Likely pathogenic for Niemann-Pick disease, type C1. Last evaluated: 2021-06-02. Review status: criteria provided, single submitter. Criteria: Invitae Variant Classification Sherloc (09022015). Collection method: clinical testing. Allele origin: germline.
Comment: Advanced modeling of protein sequence and biophysical properties (such as structural, functional, and spatial information, amino acid conservation, physicochemical variation, residue mobility, and thermodynamic stability) performed at Invitae indicates that this missense variant is expected to disrupt NPC1 protein function. This sequence change replaces glycine with arginine at codon 538 of the NPC1 protein (p.Gly538Arg). The glycine residue is highly conserved and there is a moderate physicochemical difference between glycine and arginine. This variant is not present in population databases (ExAC no frequency). This variant has been observed in individual(s) with Niemann-Pick disease type C (PMID: 17003072). In summary, the currently available evidence indicates that the variant is pathogenic, but additional data are needed to prove that conclusively. Therefore, this variant has been classified as Likely Pathogenic.

Literature cited by the submitters: PubMed 17003072.

NM_000271.5(NPC1):c.1612G>C (p.Gly538Arg)

Gene: NPC1 (NPC intracellular cholesterol transporter 1; minus strand). Cytogenetic location: 18q11.2.
Variant type: single nucleotide variant.
Coding change: c.1612G>C on transcript NM_000271.5 (MANE Select); coding-DNA position 1612, G replaced by C.
Protein change: p.Gly538Arg; replaces glycine 538 with arginine.
Molecular consequence: missense variant.
Genome position (GRCh38, 1-based): chr18:23,551,669, C>G on the plus strand (G>C on the coding strand, the complement: NPC1 is on the minus strand). VCF-style: chr18-23551669-C-G. GRCh37 (hg19) VCF-style: chr18-21131633-C-G.
Other names: short protein forms G538R.
Identifiers: ClinVar variation 1507579 (VCV001507579.8), dbSNP rs2145433298, ClinGen allele CA401774802.